The following is an entry in ClinVar:

ClinVar aggregate classification (germline): Uncertain significance (1 of 4 stars; one submission).

Allele frequency attached by ClinVar (database versions not stated): gnomAD exomes below 0.00001.
gnomAD v4.1: 3 of 1,614,184 alleles (0.00019%); highest among the groups gnomAD compares: Middle Eastern, 0.016%; no homozygotes.

Submission:

Labcorp Genetics (formerly Invitae), Labcorp
Classification: Uncertain significance. Last evaluated: 2021-03-27. Review status: criteria provided, single submitter. Criteria: Invitae Variant Classification Sherloc (09022015). Collection method: clinical testing. Allele origin: germline.
Comment: In summary, the available evidence is currently insufficient to determine the role of this variant in disease. Therefore, it has been classified as a Variant of Uncertain Significance. Algorithms developed to predict the effect of missense changes on protein structure and function are either unavailable or do not agree on the potential impact of this missense change (SIFT: "Tolerated"; PolyPhen-2: "Probably Damaging"; Align-GVGD: "Class C0"). This variant has not been reported in the literature in individuals with AHR-related conditions. This variant is not present in population databases (ExAC no frequency). This sequence change replaces leucine with serine at codon 589 of the AHR protein (p.Leu589Ser). The leucine residue is highly conserved and there is a large physicochemical difference between leucine and serine.

NM_001621.5(AHR):c.1766T>C (p.Leu589Ser)

Gene: AHR (aryl hydrocarbon receptor; plus strand). Cytogenetic location: 7p21.1.
Variant type: single nucleotide variant.
Coding change: c.1766T>C on transcript NM_001621.5 (MANE Select); coding-DNA position 1766, T replaced by C.
Protein change: p.Leu589Ser; replaces leucine 589 with serine.
Molecular consequence: missense variant.
Genome position (GRCh38, 1-based): chr7:17,339,591, T>C. VCF-style: chr7-17339591-T-C. GRCh37 (hg19) VCF-style: chr7-17379215-T-C.
Other names: short protein forms L589S.
Identifiers: ClinVar variation 1448052 (VCV001448052.8), dbSNP rs1444345897, ClinGen allele CA366895142.